The following is an entry in ClinVar:

ClinVar aggregate classification (germline): Uncertain significance (1 of 4 stars; one submission).

Submission:

Labcorp Genetics (formerly Invitae), Labcorp
Classification: Uncertain significance. Last evaluated: 2025-12-01. Review status: criteria provided, single submitter. Criteria: Invitae Variant Classification Sherloc (09022015). Collection method: clinical testing. Allele origin: germline.
Comment: This sequence change replaces glutamic acid, which is acidic and polar, with glutamine, which is neutral and polar, at codon 735 of the SIX5 protein (p.Glu735Gln). This variant is not present in population databases (gnomAD no frequency). This variant has not been reported in the literature in individuals affected with SIX5-related conditions. ClinVar contains an entry for this variant (Variation ID: 1933833). An algorithm developed to predict the effect of missense changes on protein structure and function (PolyPhen-2) suggests that this variant is likely to be tolerated. In summary, the available evidence is currently insufficient to determine the role of this variant in disease. Therefore, it has been classified as a Variant of Uncertain Significance.

NM_175875.5(SIX5):c.2203G>C (p.Glu735Gln)

Gene: SIX5 (SIX homeobox 5; minus strand). Cytogenetic location: 19q13.32.
Variant type: single nucleotide variant.
Coding change: c.2203G>C on transcript NM_175875.5 (MANE Select); coding-DNA position 2203, G replaced by C.
Protein change: p.Glu735Gln; replaces glutamic acid 735 with glutamine.
Molecular consequence: missense variant.
Genome position (GRCh38, 1-based): chr19:45,765,518, C>G on the plus strand (G>C on the coding strand, the complement: SIX5 is on the minus strand). VCF-style: chr19-45765518-C-G. GRCh37 (hg19) VCF-style: chr19-46268776-C-G.
Other names: short protein forms E735Q.
Identifiers: ClinVar variation 1933833 (VCV001933833.5), dbSNP rs2513597656, ClinGen allele CA406415176.